The following is an entry in ClinVar:

ClinVar aggregate classification (germline): Uncertain significance. Review status: criteria provided, multiple submitters, no conflicts (2 of 4 stars). 2 submissions from 2 submitters: Uncertain significance (2). Last evaluated 2024-12-09.

Conditions:
Hereditary cancer-predisposing syndrome. Also called: Hereditary Cancer Syndrome; Hereditary neoplastic syndrome; Neoplastic Syndromes, Hereditary; Tumor predisposition. Identifiers: Orphanet 140162, MedGen C0027672, MeSH D009386, MONDO:0015356.
Familial adenomatous polyposis 2. Also called: MUTYH-associated polyposis; MUTYH-related attenuated familial adenomatous polyposis; FAP type 2; Adenomas, multiple colorectal; MYH-associated polyposis; MUTYH Polyposis. Identifiers: Orphanet 220460, Orphanet 247798, MedGen C3272841, MONDO:0012041, OMIM 608456.

Submissions (2):

Labcorp Genetics (formerly Invitae), Labcorp
Classification: Uncertain significance for Familial adenomatous polyposis 2. Last evaluated: 2024-12-09. Review status: criteria provided, single submitter. Criteria: Invitae Variant Classification Sherloc (09022015). Collection method: clinical testing. Allele origin: germline.
Comment: This sequence change replaces lysine, which is basic and polar, with asparagine, which is neutral and polar, at codon 192 of the MUTYH protein (p.Lys192Asn). This variant also falls at the last nucleotide of exon 7, which is part of the consensus splice site for this exon. This variant is not present in population databases (gnomAD no frequency). This variant has not been reported in the literature in individuals affected with MUTYH-related conditions. ClinVar contains an entry for this variant (Variation ID: 1749540). An algorithm developed to predict the effect of missense changes on protein structure and function (PolyPhen-2) suggests that this variant is likely to be disruptive. Variants that disrupt the consensus splice site are a relatively common cause of aberrant splicing (PMID: 17576681, 9536098). Algorithms developed to predict the effect of sequence changes on RNA splicing suggest that this variant may disrupt the consensus splice site. In summary, the available evidence is currently insufficient to determine the role of this variant in disease. Therefore, it has been classified as a Variant of Uncertain Significance.

Ambry Genetics
Classification: Uncertain significance for Hereditary cancer-predisposing syndrome. Last evaluated: 2022-08-25. Review status: criteria provided, single submitter. Criteria: Ambry Variant Classification Scheme 2023. Collection method: clinical testing. Allele origin: germline.
Comment: The p.K192N variant (also known as c.576G>C), located in coding exon 7 of the MUTYH gene, results from a G to C substitution at nucleotide position 576. The lysine at codon 192 is replaced by asparagine, an amino acid with similar properties. However, this change occurs in the last base pair of coding exon 7, which makes it likely to have some effect on normal mRNA splicing. This nucleotide position is highly conserved in available vertebrate species. This amino acid position is highly conserved in available vertebrate species. In silico splice site analysis predicts that this alteration will result in the creation or strengthening of a novel splice donor site; however, direct evidence is insufficient at this time (Ambry internal data). In addition, as a missense substitution this is predicted to be deleterious by in silico analysis. Since supporting evidence is limited at this time, the clinical significance of this alteration remains unclear.

Literature cited by the submitters: PubMed 17576681 (cited by Labcorp Genetics (formerly Invitae), Labcorp); PubMed 9536098 (cited by Labcorp Genetics (formerly Invitae), Labcorp).

NM_001048174.2(MUTYH):c.492G>C (p.Lys164Asn)

Gene: MUTYH (mutY DNA glycosylase; minus strand). Cytogenetic location: 1p34.1.
Variant type: single nucleotide variant.
Coding change: c.492G>C on transcript NM_001048174.2 (MANE Select); coding-DNA position 492, G replaced by C.
Protein change: p.Lys164Asn; replaces lysine 164 with asparagine.
Molecular consequence: missense variant. On other transcripts: non-coding transcript variant (2).
Genome position (GRCh38, 1-based): chr1:45,332,763, C>G on the plus strand (G>C on the coding strand, the complement: MUTYH is on the minus strand). VCF-style: chr1-45332763-C-G. GRCh37 (hg19) VCF-style: chr1-45798435-C-G.
Other names: c.492G>C, p.Lys164Asn (NM_001048171.2, NM_001048173.2, NM_001293195.2 and 6 more transcripts); c.495G>C, p.Lys165Asn (NM_001048172.2, NM_001407071.1, NM_001407078.1 and 1 more transcripts); c.576G>C, p.Lys192Asn (NM_001128425.2); c.537G>C, p.Lys179Asn (NM_001293190.2); c.525G>C, p.Lys175Asn (NM_001293191.2, NM_001407069.1, NM_001407077.1); c.216G>C, p.Lys72Asn (NM_001293192.2, NM_001293196.2, NM_001407091.1); c.147G>C, p.Lys49Asn (NM_001350650.2, NM_001350651.2, NM_001407082.1); c.408G>C, p.Lys136Asn (NM_001407075.1); and 5 more; short protein forms K151N, K179N, K192N, K49N, K136N, K175N, K178N, K150N.
Identifiers: ClinVar variation 1749540 (VCV001749540.4), dbSNP rs876660092, ClinGen allele CA340135517.